The following is an entry in ClinVar:

ClinVar aggregate classification (germline): Uncertain significance (1 of 4 stars; one submission).

Submission:

GeneDx
Classification: Uncertain significance. Last evaluated: 2022-12-28. Review status: criteria provided, single submitter. Criteria: GeneDx Variant Classification Process June 2021. Collection method: clinical testing. Allele origin: germline. Affected: yes.
Comment: Has not been previously published as pathogenic or benign to our knowledge; Not observed at significant frequency in large population cohorts (gnomAD); Normal stop codon changed to a Gly codon, leading to the addition of 29 amino acids at the C-terminus.

NM_002667.5(PLN):c.157T>G (p.Ter53Gly)

Genes: CEP85L (centrosomal protein 85 like; minus strand), PLN (phospholamban; plus strand). Cytogenetic location: 6q22.31.
Variant type: single nucleotide variant.
Coding change: c.157T>G on transcript NM_002667.5 (MANE Select); coding-DNA position 157, T replaced by G.
Protein change: p.Ter53Gly.
Molecular consequence: stop lost. On other transcripts: intron variant (3).
Genome position (GRCh38, 1-based): chr6:118,559,078, T>G. VCF-style: chr6-118559078-T-G. GRCh37 (hg19) VCF-style: chr6-118880241-T-G.
Other names: c.1029+6451A>C (NM_001178035.2); c.1020+6451A>C (NM_001042475.3, NM_206921.3).
Identifiers: ClinVar variation 2507292 (VCV002507292.1), dbSNP rs2534334431, ClinGen allele CA365546816.
Genomic context (GRCh38, chr6:118,559,078, plus strand): 5'-ATCAATTTCTGTCTCATCTTAATATGTCTCTTGCTGATCTGTATCATCGTGATGCTTCTC[T>G]GAAGTTCTGCTACAACCTCTAGATCTGCAGCTTGCCACATCAGCTTAAAATCTGTCATCC-3'